The following is an entry in ClinVar:

NM_006070.6(TFG):c.1037A>C (p.Gln346Pro)

Gene: TFG (trafficking from ER to golgi regulator; plus strand). Cytogenetic location: 3q12.2.
Variant type: single nucleotide variant.
Coding change: c.1037A>C on transcript NM_006070.6 (MANE Select); coding-DNA position 1037, A replaced by C.
Protein change: p.Gln346Pro; replaces glutamine 346 with proline.
Molecular consequence: missense variant.
Genome position (GRCh38, 1-based): chr3:100,748,365, A>C. VCF-style: chr3-100748365-A-C. GRCh37 (hg19) VCF-style: chr3-100467209-A-C.
Other names: c.1037A>C, p.Gln346Pro (NM_001007565.2, NM_001195478.2); c.1025A>C, p.Gln342Pro (NM_001195479.2); short protein forms Q342P, Q346P.
Identifiers: ClinVar variation 4782892 (VCV004782892.1).
Genomic context (GRCh38, chr3:100,748,365, plus strand): 5'-CACAAACTTACACTGCCCAAACTTCTCAGCCTACTAATTATACTGTGGCTCCTGCCTCTC[A>C]ACCTGGAATGGCTCCAAGCCAACCTGGGGCCTATCAACCAAGACCAGGTTTTACTTCACT-3'
Protein context (NP_006061.2, residues 336-356): PTNYTVAPAS[Gln346Pro]PGMAPSQPGA

ClinVar aggregate classification (germline): Uncertain significance (1 of 4 stars; one submission).

Conditions:
Hereditary motor and sensory neuropathy, Okinawa type (HMSNO). Also called: HEREDITARY MOTOR AND SENSORY NEUROPATHY, PROXIMAL TYPE. Identifiers: Orphanet 90117, MedGen C1858338, MONDO:0011468, OMIM 604484.
Hereditary spastic paraplegia 57. Also called: Spastic paraplegia 57, autosomal recessive. Identifiers: Orphanet 431329, MedGen C3714897, MONDO:0014295, OMIM 615658.

Submission:

Labcorp Genetics (formerly Invitae), Labcorp
Classification: Uncertain significance for Hereditary motor and sensory neuropathy, Okinawa type; Hereditary spastic paraplegia 57. Last evaluated: 2025-04-23. Review status: criteria provided, single submitter. Criteria: Invitae Variant Classification Sherloc (09022015). Collection method: clinical testing. Allele origin: germline.
Comment: This sequence change replaces glutamine, which is neutral and polar, with proline, which is neutral and non-polar, at codon 346 of the TFG protein (p.Gln346Pro). This variant is not present in population databases (gnomAD no frequency). This variant has not been reported in the literature in individuals affected with TFG-related conditions. Invitae Evidence Modeling of protein sequence and biophysical properties (such as structural, functional, and spatial information, amino acid conservation, physicochemical variation, residue mobility, and thermodynamic stability) indicates that this missense variant is not expected to disrupt TFG protein function with a negative predictive value of 80%. In summary, the available evidence is currently insufficient to determine the role of this variant in disease. Therefore, it has been classified as a Variant of Uncertain Significance.